The following is an entry in ClinVar:

NM_000548.5(TSC2):c.3161G>A (p.Gly1054Asp)

Gene: TSC2 (TSC complex subunit 2; plus strand). Cytogenetic location: 16p13.3.
Variant type: single nucleotide variant.
Coding change: c.3161G>A on transcript NM_000548.5 (MANE Select); coding-DNA position 3161, G replaced by A.
Protein change: p.Gly1054Asp; replaces glycine 1054 with aspartic acid.
Molecular consequence: missense variant. On other transcripts: non-coding transcript variant (5).
Genome position (GRCh38, 1-based): chr16:2,079,305, G>A. VCF-style: chr16-2079305-G-A. GRCh37 (hg19) VCF-style: chr16-2129306-G-A.
Other names: c.3029G>A, p.Gly1010Asp (NM_001077183.3, NM_001370404.1, NM_001406665.1); c.3161G>A, p.Gly1054Asp (NM_001114382.3); c.2921G>A, p.Gly974Asp (NM_001318827.2); c.2885G>A, p.Gly962Asp (NM_001318829.2); c.2429G>A, p.Gly810Asp (NM_001318831.2, NM_001406688.1, NM_001406687.1); c.3062G>A, p.Gly1021Asp (NM_001318832.2); c.3032G>A, p.Gly1011Asp (NM_001363528.2, NM_001370405.1, NM_021055.3); c.3158G>A, p.Gly1053Asp (NM_001406663.1, NM_001406664.1); and 18 more; short protein forms G1007D, G1010D, G1021D, G476D, G854D, G857D, G1006D, G1041D.
Identifiers: ClinVar variation 2816713 (VCV002816713.3), dbSNP rs2151437621, ClinGen allele CA394285359.

ClinVar aggregate classification (germline): Uncertain significance (1 of 4 stars; one submission).

Conditions:
Tuberous sclerosis 2 (TSC2). Identifiers: Orphanet 805, MedGen C1860707, MONDO:0013199, OMIM 613254.

Submission:

Labcorp Genetics (formerly Invitae), Labcorp
Classification: Uncertain significance for Tuberous sclerosis 2. Last evaluated: 2022-11-25. Review status: criteria provided, single submitter. Criteria: Invitae Variant Classification Sherloc (09022015). Collection method: clinical testing. Allele origin: germline.
Comment: This sequence change replaces glycine, which is neutral and non-polar, with aspartic acid, which is acidic and polar, at codon 1054 of the TSC2 protein (p.Gly1054Asp). This variant is not present in population databases (gnomAD no frequency). This variant has not been reported in the literature in individuals affected with TSC2-related conditions. Advanced modeling of protein sequence and biophysical properties (such as structural, functional, and spatial information, amino acid conservation, physicochemical variation, residue mobility, and thermodynamic stability) performed at Invitae indicates that this missense variant is not expected to disrupt TSC2 protein function. In summary, the available evidence is currently insufficient to determine the role of this variant in disease. Therefore, it has been classified as a Variant of Uncertain Significance.